The following is an entry in ClinVar:

ClinVar aggregate classification (germline): Benign/Likely benign. Review status: criteria provided, multiple submitters, no conflicts (2 of 4 stars). 2 submissions from 2 submitters: Benign (1); Likely benign (1). Last evaluated 2025-02-21.

Conditions:
Breast-ovarian cancer, familial, susceptibility to, 4. Identifiers: Orphanet 145, MedGen C3280345, MONDO:0013669, OMIM 614291.

Submissions (2):

Myriad Genetics, Inc.
Classification: Benign for Breast-ovarian cancer, familial, susceptibility to, 4. Last evaluated: 2025-02-21. Review status: criteria provided, single submitter. Criteria: Myriad Autosomal Dominant, Autosomal Recessive and X-Linked Classification Criteria (2023). Collection method: clinical testing. Allele origin: unknown.
Comment: This variant is considered benign. This variant is a silent/synonymous amino acid change and it is not expected to impact splicing.

Labcorp Genetics (formerly Invitae), Labcorp
Classification: Likely benign for Breast-ovarian cancer, familial, susceptibility to, 4. Last evaluated: 2024-04-09. Review status: criteria provided, single submitter. Criteria: Invitae Variant Classification Sherloc (09022015). Collection method: clinical testing. Allele origin: germline.

NM_002878.4(RAD51D):c.441C>G (p.Leu147=)

Genes: RAD51D (RAD51 paralog D; minus strand), RAD51L3-RFFL (RAD51L3-RFFL readthrough; minus strand). Cytogenetic location: 17q12.
Variant type: single nucleotide variant.
Coding change: c.441C>G on transcript NM_002878.4 (MANE Select); coding-DNA position 441, C replaced by G.
Protein change: p.Leu147=; no amino-acid change (leucine 147 retained).
Molecular consequence: synonymous variant. On other transcripts: non-coding transcript variant (1), intron variant (1).
Genome position (GRCh38, 1-based): chr17:35,107,027, G>C on the plus strand (C>G on the coding strand, the complement: RAD51D is on the minus strand). VCF-style: chr17-35107027-G-C. GRCh37 (hg19) VCF-style: chr17-33434046-G-C.
Other names: c.501C>G, p.Leu167= (NM_001142571.2); c.145-546C>G (NM_133629.3).
Identifiers: ClinVar variation 3649262 (VCV003649262.3).